The following is an entry in ClinVar:

ClinVar aggregate classification (germline): Conflicting classifications of pathogenicity. Review status: criteria provided, conflicting classifications (1 of 4 stars). 5 submissions from 5 submitters: Likely pathogenic (1); Uncertain significance (4). Last evaluated 2026-07-21.

Conditions:
BBS1-related disorder. Also called: BBS1-related condition.
Bardet-Biedl syndrome (BBS). Identifiers: Orphanet 110, MedGen C0752166, MONDO:0015229.
Bardet-Biedl syndrome 1 (BBS1). Identifiers: MedGen C2936862, MONDO:0008854, OMIM 209900. Disease mechanism: loss of function.

Allele frequency attached by ClinVar (database versions not stated): 1000 Genomes Project 30x 0.00062; 1000 Genomes Project 0.00060; gnomAD 0.00002 and 0.00015; gnomAD exomes 0.00120.
gnomAD v4.1: 280 of 371,700 alleles (0.075%); highest among the groups gnomAD compares: South Asian, 0.56%; 4 homozygotes.

Submissions (5):

PreventionGenetics, part of Exact Sciences
Classification: Uncertain significance for BBS1-related condition. Last evaluated: 2026-07-21. Review status: criteria provided, single submitter. Criteria: ACMG Guidelines, 2015. Collection method: clinical testing. Allele origin: germline.
Comment: The BBS1 c.1110+329C>T variant is predicted to interfere with splicing. This variant has been identified in the homozygous state in two related individuals with Bardet-Biedl syndrome (Abu Safieh et al. 2010. PubMed ID: 19858128; Shaheen et al. 2016. PubMed ID: 27894351). In addition, the c.1110+329C>T variant has been shown to decrease the efficiency of normal splicing and introduce an aberrant transcript in which the entire intron 10 is retained (Abu Safieh et al. 2010. PubMed ID: 19858128). The normal transcript, however, was also apparently still present. This variant was not reported in gnomAD v2. However, in gnomAD v4 (available only on GRCh38), this variant is reported in 0.56% of alleles in the South Asian population, including 4 homozygotes. At this time, the clinical significance of this variant is uncertain due to the absence of conclusive functional and genetic evidence.

Fulgent Genetics
Classification: Uncertain significance for Bardet-Biedl syndrome 1. Last evaluated: 2024-05-29. Review status: criteria provided, single submitter. Criteria: ACMG Guidelines, 2015. Collection method: clinical testing. Allele origin: germline.

Labcorp Genetics (formerly Invitae), Labcorp
Classification: Uncertain significance for Bardet-Biedl syndrome. Last evaluated: 2022-07-24. Review status: criteria provided, single submitter. Criteria: Invitae Variant Classification Sherloc (09022015). Collection method: clinical testing. Allele origin: germline.
Comment: This variant occurs in a non-coding region of the BBS1 gene. It does not change the encoded amino acid sequence of the BBS1 protein. This variant is not present in population databases (gnomAD no frequency). This variant has been observed in individual(s) with Bardet-Biedl syndrome (PMID: 19858128, 27894351). It has also been observed to segregate with disease in related individuals. Algorithms developed to predict the effect of sequence changes on RNA splicing suggest that this variant is not likely to affect RNA splicing. In summary, the available evidence is currently insufficient to determine the role of this variant in disease. Therefore, it has been classified as a Variant of Uncertain Significance.

Blueprint Genetics
Classification: Uncertain significance. Last evaluated: 2022-07-21. Review status: criteria provided, single submitter. Criteria: ACMG Guidelines, 2015. Collection method: clinical testing. Allele origin: germline.

Women's Health and Genetics/Laboratory Corporation of America, LabCorp
Classification: Likely pathogenic for Bardet-Biedl syndrome. Last evaluated: 2022-06-03. Review status: criteria provided, single submitter. Criteria: LabCorp Variant Classification Summary - May 2015. Collection method: clinical testing. Allele origin: germline.
Comment: Variant summary: BBS1 c.1110+329C>T is located at a position not widely known to affect splicing and 4/4 computational tools predict no significant impact on normal splicing. However, experimental evidence demonstrated the variant results in decreased efficiency of normal splicing and introduces an aberrant transcript in which the entire intron 10 is retained (Abu-Safieh_2010). The variant was absent in 31346 control chromosomes (gnomAD). c.1110+329C>T has been reported in the literature in two homozygous siblings affected with Bardet-Biedl Syndrome (Abu-Safieh_2010). These data indicate that the variant is likely to be associated with disease. No clinical diagnostic laboratories have submitted clinical-significance assessments for this variant to ClinVar after 2014. Based on the evidence outlined above, the variant was classified as likely pathogenic.

Literature cited by the submitters: PubMed 19858128 (cited by Labcorp Genetics (formerly Invitae), Labcorp and Women's Health and Genetics/Laboratory Corporation of America, LabCorp); PubMed 27894351 (cited by Labcorp Genetics (formerly Invitae), Labcorp and Women's Health and Genetics/Laboratory Corporation of America, LabCorp); PubMed 32552793 (cited by Women's Health and Genetics/Laboratory Corporation of America, LabCorp).

NM_024649.5(BBS1):c.1110+329C>T

Genes: BBS1 (Bardet-Biedl syndrome 1; plus strand), ZDHHC24 (zDHHC palmitoyltransferase 24; minus strand). Cytogenetic location: 11q13.2.
Variant type: single nucleotide variant.
Coding change: c.1110+329C>T on transcript NM_024649.5 (MANE Select); 329 bases into the intron after coding-DNA position 1110, C replaced by T.
Molecular consequence: intron variant.
Genome position (GRCh38, 1-based): chr11:66,524,211, C>T. VCF-style: chr11-66524211-C-T. GRCh37 (hg19) VCF-style: chr11-66291682-C-T.
Other names: c.*21+2725G>A (NM_001348571.2).
Identifiers: ClinVar variation 1698475 (VCV001698475.8), dbSNP rs571170303, ClinGen allele CA224077368.